The following is an entry in ClinVar:

NM_004006.3(DMD):c.8217+5G>T

Gene: DMD (dystrophin; minus strand). Cytogenetic location: Xp21.1.
Variant type: single nucleotide variant.
Coding change: c.8217+5G>T on transcript NM_004006.3 (MANE Select); 5 bases into the intron after coding-DNA position 8217, G replaced by T.
Molecular consequence: intron variant.
Genome position (GRCh38, 1-based): chrX:31,627,668, C>A on the plus strand (G>T on the coding strand, the complement: DMD is on the minus strand). VCF-style: chrX-31627668-C-A. GRCh37 (hg19) VCF-style: chrX-31645785-C-A.
Other names: c.8193+5G>T (NM_000109.4); c.4194+5G>T (NM_004011.4); c.4185+5G>T (NM_004012.4); c.837+5G>T (NM_004023.3, NM_004020.4, NM_004022.3 and 2 more transcripts); c.8205+5G>T (NM_004009.3); c.7848+5G>T (NM_004010.3).
Identifiers: ClinVar variation 1390458 (VCV001390458.6), dbSNP rs2148421605, ClinGen allele CA2573158533.

ClinVar aggregate classification (germline): Uncertain significance (1 of 4 stars; one submission).

Conditions:
Duchenne muscular dystrophy (DMD). Also called: MUSCULAR DYSTROPHY, PSEUDOHYPERTROPHIC PROGRESSIVE, DUCHENNE TYPE; Duchenne Muscular Dystrophy (DMD). Identifiers: Orphanet 98896, MedGen C0013264, MONDO:0010679, OMIM 310200.

Submission:

Labcorp Genetics (formerly Invitae), Labcorp
Classification: Uncertain significance for Duchenne muscular dystrophy. Last evaluated: 2021-10-31. Review status: criteria provided, single submitter. Criteria: Invitae Variant Classification Sherloc (09022015). Collection method: clinical testing. Allele origin: germline.
Comment: This variant has been observed in individual(s) with clinical features of DMD-related conditions (PMID: 34629887). This sequence change falls in intron 55 of the DMD gene. It does not directly change the encoded amino acid sequence of the DMD protein. It affects a nucleotide within the consensus splice site. This variant is not present in population databases (gnomAD no frequency). Variants that disrupt the consensus splice site are a relatively common cause of aberrant splicing (PMID: 17576681, 9536098). Algorithms developed to predict the effect of sequence changes on RNA splicing suggest that this variant may disrupt the consensus splice site. In summary, the available evidence is currently insufficient to determine the role of this variant in disease. Therefore, it has been classified as a Variant of Uncertain Significance.

Literature cited by the submitters: PubMed 34629887; PubMed 17576681; PubMed 9536098.